The following is an entry in ClinVar:

ClinVar aggregate classification (germline): Uncertain significance (1 of 4 stars; one submission).

Conditions:
Autosomal recessive limb-girdle muscular dystrophy type 2A (LGMDR1). Also called: Muscular dystrophy, limb-girdle, type 2A, Amish; Limb-girdle muscular dystrophy, type 2A; Calpainopathy; LEYDEN-MOEBIUS MUSCULAR DYSTROPHY; MUSCULAR DYSTROPHY, PELVOFEMORAL. Identifiers: Orphanet 267, MedGen C1869123, MONDO:0009675, OMIM 253600. Disease mechanism: loss of function.

Submission:

Labcorp Genetics (formerly Invitae), Labcorp
Classification: Uncertain significance for Autosomal recessive limb-girdle muscular dystrophy type 2A. Last evaluated: 2022-03-22. Review status: criteria provided, single submitter. Criteria: Invitae Variant Classification Sherloc (09022015). Collection method: clinical testing. Allele origin: germline.
Comment: In summary, the available evidence is currently insufficient to determine the role of this variant in disease. Therefore, it has been classified as a Variant of Uncertain Significance. Advanced modeling of protein sequence and biophysical properties (such as structural, functional, and spatial information, amino acid conservation, physicochemical variation, residue mobility, and thermodynamic stability) performed at Invitae indicates that this missense variant is expected to disrupt CAPN3 protein function. This variant has not been reported in the literature in individuals affected with CAPN3-related conditions. This variant is not present in population databases (gnomAD no frequency). This sequence change replaces leucine, which is neutral and non-polar, with phenylalanine, which is neutral and non-polar, at codon 145 of the CAPN3 protein (p.Leu145Phe).

NM_000070.3(CAPN3):c.433C>T (p.Leu145Phe)

Genes: CAPN3 (calpain 3; plus strand), LOC126862115 (BRD4-independent group 4 enhancer GRCh37_chr15:42677734-42678933; plus strand). Cytogenetic location: 15q15.1.
Variant type: single nucleotide variant.
Coding change: c.433C>T on transcript NM_000070.3 (MANE Select); coding-DNA position 433, C replaced by T.
Protein change: p.Leu145Phe; replaces leucine 145 with phenylalanine.
Molecular consequence: missense variant.
Genome position (GRCh38, 1-based): chr15:42,386,220, C>T. VCF-style: chr15-42386220-C-T. GRCh37 (hg19) VCF-style: chr15-42678418-C-T.
Other names: c.433C>T, p.Leu145Phe (NM_024344.2, NM_173087.2); c.172C>T, p.Leu58Phe (NM_212464.2); c.*126C>T (NM_212467.2); short protein forms L145F, L58F.
Identifiers: ClinVar variation 2070321 (VCV002070321.4), dbSNP rs886044404, ClinGen allele CA391997580.